The following is an entry in ClinVar:

ClinVar aggregate classification (germline): Conflicting classifications of pathogenicity. Review status: criteria provided, conflicting classifications (1 of 4 stars). 21 submissions from 18 submitters: Uncertain significance (9); Benign (2); Likely benign (9). 1 of the submissions does not count toward it. Last evaluated 2026-07-01.

Conditions:
RET-related disorder. Also called: RET-related disorders; RET-related condition; RET-related disease.
Hereditary cancer-predisposing syndrome. Also called: Tumor predisposition; Hereditary neoplastic syndrome; Hereditary Cancer Syndrome; Neoplastic Syndromes, Hereditary. Identifiers: Orphanet 140162, MedGen C0027672, MeSH D009386, MONDO:0015356.
Multiple endocrine neoplasia. Identifiers: Orphanet 276161, MedGen C0027662, MONDO:0017169.
Multiple endocrine neoplasia, type 2 (MEN2). Identifiers: Orphanet 653, MedGen C4048306, MONDO:0019003. Disease mechanism: gain of function.
Hirschsprung disease, susceptibility to, 1 (HSCR1). Also called: RET-Related Hirschsprung Disease. Identifiers: Orphanet 388, MedGen C3888239, MONDO:0007723, OMIM 142623.
Multiple endocrine neoplasia type 2A. Also called: Multiple Endocrine Neoplasia Type 2A (MEN2A); MULTIPLE ENDOCRINE NEOPLASIA, TYPE IIA; PTC SYNDROME; SIPPLE SYNDROME; MEN 2A; MEN-2A syndrome. Identifiers: Orphanet 247698, Orphanet 653, MedGen C0025268, MeSH D018813, MONDO:0008234, OMIM 171400.
Familial medullary thyroid carcinoma (MTC). Also called: Thyroid cancer, familial medullary; MTC, familial; Familial Medullary Thyroid Carcinoma (FMTC). Identifiers: Orphanet 653, Orphanet 99361, MedGen C1833921, MONDO:0007958, OMIM 155240.
Renal hypodysplasia/aplasia 1 (RHDA1). Also called: RENAL APLASIA; HEREDITARY RENAL APLASIA. Identifiers: Orphanet 411709, MedGen C1619700, MONDO:0024519, OMIM 191830.
Pheochromocytoma. Also called: MAX-Related Hereditary Paraganglioma-Pheochromocytoma Syndrome. Identifiers: Orphanet 29072, MedGen C0031511, MONDO:0008233, OMIM 171300, HP:0002666.

Allele frequency attached by ClinVar (database versions not stated): ExAC 0.00017; gnomAD 0.00013 and 0.00014; ESP Exome Variant Server 0.00023; gnomAD exomes 0.00013 and 0.00017; TOPMed 0.00017.
gnomAD v4.1: 215 of 1,614,028 alleles (0.013%); highest among the groups gnomAD compares: Middle Eastern, 0.31%; no homozygotes.

Submissions 1 to 10 of 21:

CeGaT Center for Human Genetics Tuebingen
Classification: Likely benign. Last evaluated: 2026-07-01. Review status: criteria provided, single submitter. Criteria: CeGaT Center For Human Genetics Tuebingen Variant Classification Criteria Version 2. Collection method: clinical testing. Allele origin: germline. Affected: yes. Observed: 6 variant alleles.
Comment: RET: BS2

Labcorp Genetics (formerly Invitae), Labcorp
Classification: Likely benign for Multiple endocrine neoplasia, type 2. Last evaluated: 2026-02-04. Review status: criteria provided, single submitter. Criteria: Invitae Variant Classification Sherloc (09022015). Collection method: clinical testing. Allele origin: germline.

Women's Health and Genetics/Laboratory Corporation of America, LabCorp
Classification: Likely benign. Last evaluated: 2025-09-19. Review status: criteria provided, single submitter. Criteria: LabCorp Variant Classification Summary - May 2015. Collection method: clinical testing. Allele origin: germline.
Comment: Variant summary: RET c.1699G>A (p.Asp567Asn) results in a conservative amino acid change in the encoded protein sequence. Algorithms developed to predict the effect of missense changes on protein structure and function are either unavailable or do not agree on the potential impact of this missense change. The variant allele was found at a frequency of 0.00017 in 251392 control chromosomes, predominantly at a frequency of 0.00055 within the Latino subpopulation in the gnomAD database. The observed variant frequency within Latino control individuals in the gnomAD database exceeds the estimated maximal expected allele frequency for disease-causing variants in RET. To our knowledge, no experimental evidence demonstrating this variant's impact on protein function has been reported. ClinVar contains an entry for this variant (Variation ID: 136103). Based on the evidence outlined above, the variant was classified as likely benign.

St. Jude Molecular Pathology, St. Jude Children's Research Hospital
Classification: Uncertain significance for Multiple endocrine neoplasia type 2A. Last evaluated: 2025-06-17. Review status: criteria provided, single submitter. Criteria: St. Jude Assertion Criteria 2020. Collection method: clinical testing. Allele origin: germline.
Comment: The RET c.1699G>A p.(Asp567Asn) missense change has a maximum subpopulation frequency of 0.062% in gnomAD v2.1.1. This variant occurs in the extracellular calmodulin-like motif (CaLM) in the cysteine rich domain, recently described as the location of a novel 3D cluster of oncogenic mutations in RET (PMID: 36166639). The in silico tool REVEL predicts a deleterious effect on protein function, and a molecular dynamics assay of mutations in CaLM and showed that this variant affects the conformational integrity of the RET-Ca2+ ion complex, underlying oncogenic properties which are increased in the presence of ligands/co-receptors that facilitate dimerization (PMID: 36166639). An in vivo study showed that this variant is potentially druggable after existing RET-TKIs drugs, selpercatinib and pralsetinib, were shown to suppress the growth of NIH3T3 cells expressing p.Asp567Asn similar to their effect on NIH3T3 cells expressing known pathogenic mutations (PMID: 36166639). To our knowledge, this variant has not been reported in the literature in individuals with multiple endocrine neoplasia type IIA or type IIB. In summary, the evidence currently available is insufficient to determine the clinical significance of this variant. It has therefore been classified as of uncertain significance.

Center for Genomic Medicine, Rigshospitalet, Copenhagen University Hospital
Classification: Uncertain significance. Last evaluated: 2025-03-04. Review status: criteria provided, single submitter. Criteria: ACMG Guidelines, 2015. Collection method: clinical testing. Allele origin: germline.

All of Us Research Program, National Institutes of Health
Classification: Uncertain significance for Multiple endocrine neoplasia, type 2. Last evaluated: 2024-09-23. Review status: criteria provided, single submitter. Criteria: ACMG Guidelines, 2015. Collection method: clinical testing. Allele origin: germline. Inheritance: Autosomal dominant inheritance. Observed: 75 variant alleles, 75 heterozygotes.
Comment: This missense variant replaces aspartic acid with asparagine at codon 567 of the RET protein. Computational prediction is inconclusive regarding the impact of this variant on protein structure and function (internally defined REVEL score threshold 0.5 < inconclusive < 0.7, PMID: 27666373). A functional study has reported that this variant causes ectopic RET dimerization, activation of kinase activity and tumor formation in murine allograft growth assay (PMID: 36166639). This variant has been identified in 46/282764 chromosomes in the general population, including 22/35434 chromosomes in the Latino population, by the Genome Aggregation Database (gnomAD). The available evidence is insufficient to determine the role of this variant in disease conclusively. Therefore, this variant is classified as a Variant of Uncertain Significance.

This study involves interpretation of variants in research participants for the purpose of population health screening. Participant phenotype was not available at the time of variant classification. Additional details can be found in publication PMID: 35346344, PMCID: PMC8962531

Blueprint Genetics
Classification: Likely benign. Last evaluated: 2024-08-02. Review status: criteria provided, single submitter. Criteria: ACMG Guidelines, 2015. Collection method: clinical testing. Allele origin: germline.

Revvity Omics, Revvity
Classification: Uncertain significance. Last evaluated: 2024-04-15. Review status: criteria provided, single submitter. Criteria: ACMG Guidelines, 2015. Collection method: clinical testing. Allele origin: germline.

Mendelics
Classification: Likely benign for Hereditary cancer-predisposing syndrome. Last evaluated: 2024-04-08. Review status: criteria provided, single submitter. Criteria: ACMG Guidelines, 2015. Collection method: clinical testing. Allele origin: unknown.

Color Diagnostics, LLC DBA Color Health
Classification: Uncertain significance for Multiple endocrine neoplasia, type 2. Last evaluated: 2024-02-07. Review status: criteria provided, single submitter. Criteria: ACMG Guidelines, 2015. Collection method: clinical testing. Allele origin: germline.
Comment: This missense variant replaces aspartic acid with asparagine at codon 567 of the RET protein. Computational prediction is inconclusive regarding the impact of this variant on protein structure and function. A functional study has reported that this variant causes ectopic RET dimerization, activation of kinase activity and tumor formation in murine allograft growth assay (PMID: 36166639). This variant has been identified in 46/282764 chromosomes in the general population, including 22/35434 chromosomes in the Latino population, by the Genome Aggregation Database (gnomAD). The available evidence is insufficient to determine the role of this variant in disease conclusively. Therefore, this variant is classified as a Variant of Uncertain Significance.

NM_020975.6(RET):c.1699G>A (p.Asp567Asn)

Gene: RET (ret proto-oncogene; plus strand). Cytogenetic location: 10q11.21.
Variant type: single nucleotide variant.
Coding change: c.1699G>A on transcript NM_020975.6 (MANE Select); coding-DNA position 1699, G replaced by A.
Protein change: p.Asp567Asn; replaces aspartic acid 567 with asparagine.
Molecular consequence: missense variant.
Genome position (GRCh38, 1-based): chr10:43,112,903, G>A. VCF-style: chr10-43112903-G-A. GRCh37 (hg19) VCF-style: chr10-43608351-G-A.
Other names: c.1303G>A, p.Asp435Asn (NM_001406772.1, NM_001406769.1); c.1261G>A, p.Asp421Asn (NM_001406773.1, NM_001406771.1); c.1174G>A, p.Asp392Asn (NM_001406774.1); c.973G>A, p.Asp325Asn (NM_001406775.1, NM_001406776.1, NM_001406777.1 and 1 more transcripts); c.802G>A, p.Asp268Asn (NM_001406779.1, NM_001406780.1, NM_001406781.1 and 3 more transcripts); c.1699G>A, p.Asp567Asn (NM_000323.2, NM_001406743.1, NM_001406744.1 and 6 more transcripts); c.937G>A, p.Asp313Asn (NM_001355216.2); c.1570G>A, p.Asp524Asn (NM_001406761.1, NM_001406762.1, NM_001406764.1 and 1 more transcripts); and 6 more; short protein forms D567N, D313N, D268N, D84N, D237N, D325N, D435N, D392N.
Identifiers: ClinVar variation 136103 (VCV000136103.72), dbSNP rs147219360, ClinGen allele CA007711.